The following is an entry in ClinVar:

ClinVar aggregate classification (germline): Likely pathogenic (1 of 4 stars; one submission).

Conditions:
Familial adenomatous polyposis 1 (FAP1). Also called: FAMILIAL ADENOMATOUS POLYPOSIS 1, ATTENUATED; POLYPOSIS, ADENOMATOUS INTESTINAL. Identifiers: MedGen C2713442, MONDO:0021056, OMIM 175100. Disease mechanism: loss of function.

Submission:

Labcorp Genetics (formerly Invitae), Labcorp
Classification: Likely pathogenic for Familial adenomatous polyposis 1. Last evaluated: 2016-12-16. Review status: criteria provided, single submitter. Criteria: Invitae Variant Classification Sherloc (09022015). Collection method: clinical testing. Allele origin: germline.
Comment: This variant is a gross duplication of the genomic region encompassing exons 2-11 of the APC gene. The 5' end of this event is likely confined to intron 1 of the APC gene. The 3' boundary is likely confined to intron 11 of the APC gene. While the exact position of the duplicated exons cannot be determined from this data, the duplicated copy of this region is likely in tandem and may result in an absent or disrupted protein product. In summary, sub-genic duplications are generally in tandem (PMID: 25640679), and result in an absent or disrupted protein. However, the exact location of this duplication has not been confirmed. Therefore, it has been classified as Likely Pathogenic. While this particular duplication has not been reported in the literature, loss-of-function variants including gross alterations in APC are known to be pathogenic (PMID: 23159591).

Literature cited by the submitters: PubMed 25640679; PubMed 23159591.

NC_000005.9:g.(?_112090582)_(112157694_?)dup

Gene: APC (APC regulator of Wnt signaling pathway; plus strand). Cytogenetic location: 5q22.2.
Variant type: Duplication.
Identifiers: ClinVar variation 1067082 (VCV001067082.46).